The following is an entry in ClinVar:

NM_001394998.1(TANC2):c.68-24166A>C

Gene: TANC2 (tetratricopeptide repeat, ankyrin repeat and coiled-coil containing 2; plus strand). Cytogenetic location: 17q23.2.
Variant type: single nucleotide variant.
Coding change: c.68-24166A>C on transcript NM_001394998.1 (MANE Select); 24166 bases into the intron before coding-DNA position 68, A replaced by C.
Molecular consequence: intron variant.
Genome position (GRCh38, 1-based): chr17:63,049,777, A>C. VCF-style: chr17-63049777-A-C. GRCh37 (hg19) VCF-style: chr17-61127138-A-C.
Other names: c.68-24166A>C (NM_001411076.1, NM_025185.4).
Identifiers: ClinVar variation 2648033 (VCV002648033.24), dbSNP rs186419369, ClinGen allele CA293281169.

ClinVar aggregate classification (germline): Benign (1 of 4 stars; one submission).

Allele frequency attached by ClinVar (database versions not stated): gnomAD 0.00171; 1000 Genomes Project 0.00180; 1000 Genomes Project 30x 0.00203; TOPMed 0.00220.
gnomAD v4.1: 259 of 152,308 alleles (0.17%); highest among the groups gnomAD compares: African/African-American, 0.55%; no homozygotes.

Submission:

CeGaT Center for Human Genetics Tuebingen
Classification: Benign. Last evaluated: 2022-08-01. Review status: criteria provided, single submitter. Criteria: CeGaT Center For Human Genetics Tuebingen Variant Classification Criteria Version 2. Collection method: clinical testing. Allele origin: germline. Affected: yes. Observed: 1 variant allele.
Comment: TANC2: BS1, BS2